The following is an entry in ClinVar:

ClinVar aggregate classification (germline): Uncertain significance. Review status: criteria provided, single submitter (1 of 4 stars). 2 submissions from 2 submitters: Uncertain significance (1). 1 of the submissions does not count toward it. Last evaluated 2023-11-22.

Conditions:
Inborn genetic diseases. Identifiers: MedGen C0950123, MeSH D030342.
DYRK1B-related disorder. Also called: DYRK1B-related condition.

Allele frequency attached by ClinVar (database versions not stated): TOPMed 0.00001.

Submissions (2):

Ambry Genetics
Classification: Uncertain significance for Inborn genetic diseases. Last evaluated: 2023-11-22. Review status: criteria provided, single submitter. Criteria: Ambry Variant Classification Scheme 2023. Collection method: clinical testing. Allele origin: germline.

PreventionGenetics, part of Exact Sciences
Classification: Uncertain significance for DYRK1B-related condition. Last evaluated: 2024-01-25. Review status: no assertion criteria provided. Collection method: clinical testing. Allele origin: germline. Not counted in ClinVar's aggregate classification.
Comment: The DYRK1B c.55C>G variant is predicted to result in the amino acid substitution p.His19Asp. To our knowledge, this variant has not been reported in the literature or in gnomAD, indicating this variant is rare. At this time, the clinical significance of this variant is uncertain due to the absence of conclusive functional and genetic evidence.

NM_004714.3(DYRK1B):c.55C>G (p.His19Asp)

Gene: DYRK1B (dual specificity tyrosine phosphorylation regulated kinase 1B; minus strand). Cytogenetic location: 19q13.2.
Variant type: single nucleotide variant.
Coding change: c.55C>G on transcript NM_004714.3 (MANE Select); coding-DNA position 55, C replaced by G.
Protein change: p.His19Asp; replaces histidine 19 with aspartic acid.
Molecular consequence: missense variant.
Genome position (GRCh38, 1-based): chr19:39,831,813, G>C on the plus strand (C>G on the coding strand, the complement: DYRK1B is on the minus strand). VCF-style: chr19-39831813-G-C. GRCh37 (hg19) VCF-style: chr19-40322453-G-C.
Other names: c.55C>G, p.His19Asp (NM_006483.3, NM_006484.3); c.55C>G (NM_004714.2); short protein forms H19D.
Identifiers: ClinVar variation 3086605 (VCV003086605.2), dbSNP rs1968826689, ClinGen allele CA405830795.